The following is an entry in ClinVar:

NM_005228.5(EGFR):c.2593G>A (p.Glu865Lys)

Gene: EGFR (epidermal growth factor receptor; plus strand). Cytogenetic location: 7p11.2.
Variant type: single nucleotide variant.
Coding change: c.2593G>A on transcript NM_005228.5 (MANE Select); coding-DNA position 2593, G replaced by A.
Protein change: p.Glu865Lys; replaces glutamic acid 865 with lysine.
Molecular consequence: missense variant.
Genome position (GRCh38, 1-based): chr7:55,191,842, G>A. VCF-style: chr7-55191842-G-A. GRCh37 (hg19) VCF-style: chr7-55259535-G-A.
Other names: c.2593G>A (NM_005228.3); c.2458G>A, p.Glu820Lys (NM_001346897.2, NM_001346899.2); c.2593G>A, p.Glu865Lys (NM_001346898.2); c.2434G>A, p.Glu812Lys (NM_001346900.2); c.1792G>A, p.Glu598Lys (NM_001346941.2); short protein forms E865K, E598K, E812K, E820K.
Identifiers: ClinVar variation 1426722 (VCV001426722.6), dbSNP rs2128964670, ClinGen allele CA367580309.
Genomic context (GRCh38, chr7:55,191,842, plus strand): 5'-GTGAAAACACCGCAGCATGTCAAGATCACAGATTTTGGGCTGGCCAAACTGCTGGGTGCG[G>A]AAGAGAAAGAATACCATGCAGAAGGAGGCAAAGTAAGGAGGTGGCTTTAGGTCAGCCAGC-3'
Protein context (NP_005219.2, residues 855-875): DFGLAKLLGA[Glu865Lys]EKEYHAEGGK

ClinVar aggregate classification (germline): Uncertain significance. Review status: criteria provided, multiple submitters, no conflicts (2 of 4 stars). 2 submissions from 2 submitters: Uncertain significance (2). Last evaluated 2025-04-02.

Conditions:
EGFR-related lung cancer (EGFR). Identifiers: MedGen CN130014.
Hereditary cancer-predisposing syndrome. Also called: Tumor predisposition; Hereditary neoplastic syndrome; Neoplastic Syndromes, Hereditary; Hereditary Cancer Syndrome. Identifiers: Orphanet 140162, MedGen C0027672, MeSH D009386, MONDO:0015356.

Allele frequency attached by ClinVar (database versions not stated): gnomAD exomes 0.00001.

Submissions (2):

Labcorp Genetics (formerly Invitae), Labcorp
Classification: Uncertain significance for EGFR-related lung cancer. Last evaluated: 2025-04-02. Review status: criteria provided, single submitter. Criteria: Invitae Variant Classification Sherloc (09022015). Collection method: clinical testing. Allele origin: germline.
Comment: This sequence change replaces glutamic acid, which is acidic and polar, with lysine, which is basic and polar, at codon 865 of the EGFR protein (p.Glu865Lys). This variant is not present in population databases (gnomAD no frequency). This variant has not been reported in the literature in individuals affected with EGFR-related conditions. ClinVar contains an entry for this variant (Variation ID: 1426722). Invitae Evidence Modeling of protein sequence and biophysical properties (such as structural, functional, and spatial information, amino acid conservation, physicochemical variation, residue mobility, and thermodynamic stability) indicates that this missense variant is not expected to disrupt EGFR protein function with a negative predictive value of 80%. In summary, the available evidence is currently insufficient to determine the role of this variant in disease. Therefore, it has been classified as a Variant of Uncertain Significance.

Ambry Genetics
Classification: Uncertain significance for Hereditary cancer-predisposing syndrome. Last evaluated: 2024-12-24. Review status: criteria provided, single submitter. Criteria: Ambry Variant Classification Scheme 2023. Collection method: clinical testing. Allele origin: germline.
Comment: The p.E865K variant (also known as c.2593G>A), located in coding exon 21 of the EGFR gene, results from a G to A substitution at nucleotide position 2593. The glutamic acid at codon 865 is replaced by lysine, an amino acid with similar properties. This amino acid position is not well conserved in available vertebrate species. In addition, the in silico prediction for this alteration is inconclusive. Based on the available evidence, the clinical significance of this variant remains unclear.